The following is an entry in ClinVar:

NM_001034853.2(RPGR):c.964G>A (p.Gly322Ser)

Gene: RPGR (retinitis pigmentosa GTPase regulator; minus strand). Cytogenetic location: Xp11.4.
Variant type: single nucleotide variant.
Coding change: c.964G>A on transcript NM_001034853.2 (MANE Select); coding-DNA position 964, G replaced by A.
Protein change: p.Gly322Ser; replaces glycine 322 with serine.
Molecular consequence: missense variant. On other transcripts: non-coding transcript variant (6).
Genome position (GRCh38, 1-based): chrX:38,301,342, C>T on the plus strand (G>A on the coding strand, the complement: RPGR is on the minus strand). VCF-style: chrX-38301342-C-T. GRCh37 (hg19) VCF-style: chrX-38160595-C-T.
Other names: c.964G>A, p.Gly322Ser (NM_000328.3, NM_001367246.1, NM_001367247.1 and 1 more transcripts); c.961G>A, p.Gly321Ser (NM_001367245.1, NM_001367249.1, NM_001367250.1); c.994G>A, p.Gly332Ser (NM_001367248.1); short protein forms G321S, G322S, G332S.
Identifiers: ClinVar variation 2079201 (VCV002079201.4), dbSNP rs1220686223, ClinGen allele CA412740362.

ClinVar aggregate classification (germline): Uncertain significance (1 of 4 stars; one submission).

Conditions:
Primary ciliary dyskinesia. Also called: Ciliary dyskinesia. Identifiers: Orphanet 244, MedGen C0008780, MONDO:0016575, HP:0012265.

Allele frequency attached by ClinVar (database versions not stated): gnomAD exomes below 0.00001; TOPMed below 0.00001.

Submission:

Labcorp Genetics (formerly Invitae), Labcorp
Classification: Uncertain significance for Primary ciliary dyskinesia. Last evaluated: 2022-04-29. Review status: criteria provided, single submitter. Criteria: Invitae Variant Classification Sherloc (09022015). Collection method: clinical testing. Allele origin: germline.
Comment: This sequence change replaces glycine, which is neutral and non-polar, with serine, which is neutral and polar, at codon 322 of the RPGR protein (p.Gly322Ser). This variant is present in population databases (no rsID available, gnomAD 0.008%). This variant has not been reported in the literature in individuals affected with RPGR-related conditions. Algorithms developed to predict the effect of missense changes on protein structure and function output the following: SIFT: "Deleterious"; PolyPhen-2: "Possibly Damaging"; Align-GVGD: "Class C0". The serine amino acid residue is found in multiple mammalian species, which suggests that this missense change does not adversely affect protein function. In summary, the available evidence is currently insufficient to determine the role of this variant in disease. Therefore, it has been classified as a Variant of Uncertain Significance.